The following is an entry in ClinVar:

GRCh38/hg38 2p21(chr2:42347475-42611298)x1

Genes: COX7A2L (cytochrome c oxidase subunit 7A2 like; minus strand), KCNG3 (potassium voltage-gated channel modifier subfamily G member 3; minus strand), MTA3 (metastasis associated 1 family member 3; plus strand), LOC120961748 (Sharpr-MPRA regulatory region 13941; plus strand), LOC129933576 (ATAC-STARR-seq lymphoblastoid active region 15645; plus strand) and 10 more. Cytogenetic location: 2p21.
Variant type: copy number loss.
Change: copy number 1 (one copy instead of two) of chr2:42,347,475-42,611,298 (263.8 kb, GRCh38 coordinates, 1-based), cytogenetic band 2p21.
Identifiers: ClinVar variation 154031 (VCV000154031.3).

ClinVar aggregate classification (germline): conflicting data from submitters (0 of 4 stars; one submission).

Submission:

ISCA site 1
Classification: conflicting data from submitters. Last evaluated: 2015-06-22. Review status: no assertion criteria provided. Collection method: clinical testing. Allele origin: maternal, unknown. Affected: yes. Observed: 2 variant alleles.
Comment: Uncertain significance(1), Likely benign (1)

Copy number variation identified through the course of routine clinical cytogenomic testing in postnatal populations, with clinical assertions as classified by the original submitter. For data from the original published study, Kaminsky, et al. 2011 (PubMed 21844811), please see nstd101.